The following is an entry in ClinVar:

NM_001267550.2(TTN):c.80623_85481del (p.Asp26875fs)

Genes: TTN-AS1 (TTN antisense RNA 1; plus strand), TTN (titin; minus strand). Cytogenetic location: 2q31.2.
Variant type: Deletion.
Coding change: c.80623_85481del on transcript NM_001267550.2 (MANE Select); coding-DNA positions 80623 to 85481, 4,859 bases deleted.
Protein change: p.Asp26875fs; shifts the reading frame from aspartic acid 26875.
Molecular consequence: frameshift variant.
Genome position (GRCh38, 1-based): chr2:178,560,651-178,565,509, 4,859 bases deleted. GRCh37 (hg19): chr2:179,425,382-179,430,240.
Other names: c.75700_80558del, p.Asp25234fs (NM_001256850.1); c.53428_58286del, p.Asp17810fs (NM_003319.4); c.72919_77777del, p.Asp24307fs (NM_133378.4); c.53803_58661del, p.Asp17935fs (NM_133432.3); c.54004_58862del, p.Asp18002fs (NM_133437.4); short protein forms D17810fs, D17935fs, D18002fs, D24307fs, D25234fs, D26875fs.
Identifiers: ClinVar variation 3358866 (VCV003358866.3).

ClinVar aggregate classification (germline): Pathogenic (1 of 4 stars; one submission).

Conditions:
Dilated cardiomyopathy 1G (CMD1G). Identifiers: Orphanet 154, MedGen C1858763, MONDO:0011400, OMIM 604145.

Submission:

Molecular Genetics Laboratory, Motol Hospital
Classification: Pathogenic for Dilated cardiomyopathy 1G. Last evaluated: 2024-09-28. Review status: criteria provided, single submitter. Criteria: ACMG/ClinGen CNV Guidelines, 2019. Collection method: clinical testing. Allele origin: germline. Inheritance: Autosomal dominant inheritance. Affected: yes. Observed: 1 heterozygote.
Comment: Multiple additional affected family members with dilated cardiomyopathy carried also this partial TTN gene deletion. TTN gene deletions have been identified as a (posiible or definitive) molecular cause of approximately 30 % cardiomyopathies. The most common hotspot region for clinically relevant variants is the exon number 326 which is located in the A band as the Fibronectin type III domain (Jolfayi AG, et al., 2024; PMID: 38438525). The breakpoints are located within the exon 326 (NM_001267550) and they were confirmed by Sanger sequencing after exome sequencing.